The following is an entry in ClinVar:

NM_014865.4(NCAPD2):c.3532G>A (p.Glu1178Lys)

Gene: NCAPD2 (non-SMC condensin I complex subunit D2; plus strand). Cytogenetic location: 12p13.31.
Variant type: single nucleotide variant.
Coding change: c.3532G>A on transcript NM_014865.4 (MANE Select); coding-DNA position 3532, G replaced by A.
Protein change: p.Glu1178Lys; replaces glutamic acid 1178 with lysine.
Molecular consequence: missense variant.
Genome position (GRCh38, 1-based): chr12:6,528,999, G>A. VCF-style: chr12-6528999-G-A. GRCh37 (hg19) VCF-style: chr12-6638165-G-A.
Other names: short protein forms E1178K.
Identifiers: ClinVar variation 1707279 (VCV001707279.3), dbSNP rs754345866, ClinGen allele CA6409099.

ClinVar aggregate classification (germline): Uncertain significance. Review status: criteria provided, multiple submitters, no conflicts (2 of 4 stars). 2 submissions from 2 submitters: Uncertain significance (2). Last evaluated 2025-11-20.

Conditions:
Inborn genetic diseases. Identifiers: MedGen C0950123, MeSH D030342.

Allele frequency attached by ClinVar (database versions not stated): TOPMed 0.00005; gnomAD exomes 0.00001; ExAC 0.00002; gnomAD 0.00002.
gnomAD v4.1: 16 of 1,613,310 alleles (0.00099%); highest among the groups gnomAD compares: East Asian, 0.0045%; no homozygotes.

Submissions (2):

Ambry Genetics
Classification: Uncertain significance for Inborn genetic diseases. Last evaluated: 2025-11-20. Review status: criteria provided, single submitter. Criteria: Ambry Variant Classification Scheme 2023. Collection method: clinical testing. Allele origin: germline.

GeneDx
Classification: Uncertain significance. Last evaluated: 2022-03-12. Review status: criteria provided, single submitter. Criteria: GeneDx Variant Classification Process June 2021. Collection method: clinical testing. Allele origin: germline. Affected: yes.
Comment: In silico analysis supports that this missense variant does not alter protein structure/function; Has not been previously published as pathogenic or benign to our knowledge